The following is an entry in ClinVar:

ClinVar aggregate classification (germline): Uncertain significance (1 of 4 stars; one submission).

Allele frequency attached by ClinVar (database versions not stated): gnomAD exomes 0.00001; TOPMed 0.00001; ExAC 0.00002.
gnomAD v4.1: 7 of 1,602,102 alleles (0.00044%); highest among the groups gnomAD compares: Non-Finnish European, 0.0006%; no homozygotes.

Submission:

GeneDx
Classification: Uncertain significance. Last evaluated: 2023-03-08. Review status: criteria provided, single submitter. Criteria: GeneDx Variant Classification Process June 2021. Collection method: clinical testing. Allele origin: germline. Affected: yes.
Comment: Not observed at significant frequency in large population cohorts (gnomAD); In silico analysis supports that this missense variant has a deleterious effect on protein structure/function; Has not been previously published as pathogenic or benign to our knowledge

NM_021098.3(CACNA1H):c.5249G>A (p.Gly1750Glu)

Gene: CACNA1H (calcium voltage-gated channel subunit alpha1 H; plus strand). Cytogenetic location: 16p13.3.
Variant type: single nucleotide variant.
Coding change: c.5249G>A on transcript NM_021098.3 (MANE Select); coding-DNA position 5249, G replaced by A.
Protein change: p.Gly1750Glu; replaces glycine 1750 with glutamic acid.
Molecular consequence: missense variant.
Genome position (GRCh38, 1-based): chr16:1,216,936, G>A. VCF-style: chr16-1216936-G-A. GRCh37 (hg19) VCF-style: chr16-1266936-G-A.
Other names: c.5231G>A, p.Gly1744Glu (NM_001005407.2); short protein forms G1744E, G1750E.
Identifiers: ClinVar variation 2579549 (VCV002579549.1), dbSNP rs751870079, ClinGen allele CA7801927.